The following is an entry in ClinVar:

NC_000016.9:g.(?_14540725)_(14576704_?)dup

Gene: PARN (poly(A)-specific ribonuclease; minus strand). Cytogenetic location: 16p13.12.
Variant type: Duplication.
Identifiers: ClinVar variation 2424494 (VCV002424494.3).

ClinVar aggregate classification (germline): Uncertain significance (1 of 4 stars; one submission).

Conditions:
Dyskeratosis congenita, autosomal recessive 6 (DKCB6). Identifiers: MedGen C4225356, MONDO:0014600, OMIM 616353.
Pulmonary fibrosis and/or bone marrow failure, Telomere-related, 4. Also called: PULMONARY FIBROSIS AND/OR BONE MARROW FAILURE SYNDROME, TELOMERE-RELATED, 4. Identifiers: Orphanet 2032, MedGen C4225347, MONDO:0014612, OMIM 616371.

Submission:

Labcorp Genetics (formerly Invitae), Labcorp
Classification: Uncertain significance for Dyskeratosis congenita, autosomal recessive 6; Pulmonary fibrosis and/or bone marrow failure, Telomere-related, 4. Last evaluated: 2022-10-12. Review status: criteria provided, single submitter. Criteria: Invitae Variant Classification Sherloc (09022015). Collection method: clinical testing. Allele origin: germline.
Comment: This variant results in a copy number gain of the genomic region encompassing exon(s) 22-23 of the PARN gene. While the exact position of this variant cannot be determined from the data, sub-genic copy number gains are generally in tandem (PMID: 25640679). This variant is predicted to be in-frame, and likely preserves the integrity of the reading frame. This variant has not been reported in the literature in individuals affected with PARN-related conditions. In summary, the available evidence is currently insufficient to determine the role of this variant in disease. Therefore, it has been classified as a Variant of Uncertain Significance. Experimental studies and prediction algorithms are not available or were not evaluated, and the functional significance of this variant is currently unknown.

Literature cited by the submitters: PubMed 25640679.